The following is an entry in ClinVar:

ClinVar aggregate classification (germline): Pathogenic (3 of 4 stars; one submission).

Conditions:
Monogenic diabetes. Identifiers: Orphanet 183625, MedGen C3888631, MONDO:0015967.

Submission:

ClinGen Monogenic Diabetes Variant Curation Expert Panel
Classification: Pathogenic for Monogenic diabetes. Last evaluated: 2026-02-06. Review status: reviewed by expert panel. Criteria: ClinGen Diabetes ACMG Specifications HNF1A V3.1.0. Collection method: curation. Allele origin: germline. Inheritance: Autosomal dominant inheritance.
Comment: The c.709A>G variant in the HNF1 homeobox A gene, HNF1A, causes an amino acid change of asparagine to aspartic acid at codon 237 (p.(Asn237Asp)) of NM_000545.8. This variant is located within a conserved region of the DNA binding domain (codons 107-174 and 201-280) of HNF1A, which is defined as critical for the protein’s function by the ClinGen MDEP (PM1_Supporting), and is absent from gnomAD v4.1.0 (PM2_Supporting). Additionally, this variant is predicted to be deleterious by computational evidence, with a REVEL score of 0.893, which is greater than or equal to the MDEP VCEP threshold of 0.70 (PP3). This variant was identified as a de novo occurrence with confirmed parental relationships in one individual with a clinical picture consistent with HNF1A-MODY (MODY probability calculator result >50% and negative genetic testing for HNF4A) (PS2; PMID: 31098941). This variant was identified in a total of four unrelated individuals with non-autoimmune and non-absolute/near-absolute insulin-deficient diabetes (PS4_Moderate; PMIDs: 41020216, 31098941/34496959, 31638168; internal lab contributors). Additionally, at least two of these individuals had a clinical history highly specific for HNF1A-MODY (MODY probability calculator result >50%, negative genetic testing for HNF4A, and sulfonylurea sensitive) (PP4_Moderate; PMID: 41020216; internal lab contributors). In summary, c.709A>G meets the criteria to be classified as pathogenic for monogenic diabetes. ACMG/AMP criteria applied, as specified by the ClinGen MDEP (specification version 3.1.0, approved 10/10/2025): PS2, PS4_Moderate, PM1_Supporting, PM2_Supporting, PP4_Moderate, PP3

Literature cited by the submitters: PubMed 41020216; PubMed 31098941; PubMed 34496959; PubMed 31638168.

NM_000545.8(HNF1A):c.709A>G (p.Asn237Asp)

Gene: HNF1A (HNF1 homeobox A; plus strand). Cytogenetic location: 12q24.31.
Variant type: single nucleotide variant.
Coding change: c.709A>G on transcript NM_000545.8 (MANE Select); coding-DNA position 709, A replaced by G.
Protein change: p.Asn237Asp; replaces asparagine 237 with aspartic acid.
Molecular consequence: missense variant.
Genome position (GRCh38, 1-based): chr12:120,993,702, A>G. VCF-style: chr12-120993702-A-G. GRCh37 (hg19) VCF-style: chr12-121431505-A-G.
Other names: NM_001306179.1:c.709A>G; c.709A>G, p.Asn237Asp (NM_001306179.2); short protein forms N237D.
Identifiers: ClinVar variation 1334144 (VCV001334144.4), dbSNP rs2135839997, ClinGen allele CA386965434.